The following is an entry in ClinVar:

NM_001148.6(ANK2):c.10160G>A (p.Arg3387Lys)

Gene: ANK2 (ankyrin 2; plus strand). Cytogenetic location: 4q26.
Variant type: single nucleotide variant.
Coding change: c.10160G>A on transcript NM_001148.6 (MANE Select); coding-DNA position 10160, G replaced by A.
Protein change: p.Arg3387Lys; replaces arginine 3387 with lysine.
Molecular consequence: missense variant. On other transcripts: intron variant (68).
Genome position (GRCh38, 1-based): chr4:113,358,778, G>A. VCF-style: chr4-113358778-G-A. GRCh37 (hg19) VCF-style: chr4-114279934-G-A.
Other names: c.9926G>A, p.Arg3309Lys (NM_001386142.1); c.6560G>A, p.Arg2187Lys (NM_001386166.1); c.10301G>A, p.Arg3434Lys (NM_001386174.1); c.10277G>A, p.Arg3426Lys (NM_001386175.1); c.4412-2045G>A (NM_001386186.2, NM_001386148.2); c.4214-2045G>A (NM_001354269.3); c.4292-2045G>A (NM_001386187.2); c.4253-2045G>A (NM_001386147.1); and 35 more; short protein forms R2187K, R3309K, R3387K, R3426K, R3434K.
Identifiers: ClinVar variation 1806721 (VCV001806721.1), dbSNP rs1296989216, ClinGen allele CA357939812.

ClinVar aggregate classification (germline): Uncertain significance (1 of 4 stars; one submission).

Submission:

GeneDx
Classification: Uncertain significance. Last evaluated: 2022-06-22. Review status: criteria provided, single submitter. Criteria: GeneDx Variant Classification Process June 2021. Collection method: clinical testing. Allele origin: germline. Affected: yes.
Comment: Not observed at significant frequency in large population cohorts (gnomAD); In silico analysis supports that this missense variant does not alter protein structure/function; Has not been previously published as pathogenic or benign to our knowledge